The following is an entry in ClinVar:

ClinVar aggregate classification (germline): Pathogenic (1 of 4 stars; one submission).

Conditions:
Deficiency of hydroxymethylglutaryl-CoA lyase (HMGCLD). Also called: HMG-CoA LYASE DEFICIENCY; Defect in leucine metabolism; 3-hydroxy-3-methylglutaric aciduria; HMGCL DEFICIENCY; HYDROXYMETHYLGLUTARIC ACIDURIA. Identifiers: Orphanet 20, MedGen C1533587, MONDO:0009520, OMIM 246450.

Submission:

Department of Human Genetics, Hannover Medical School
Classification: Pathogenic for Deficiency of hydroxymethylglutaryl-CoA lyase. Last evaluated: 2025-02-25. Review status: criteria provided, single submitter. Criteria: ACMG Guidelines, 2015. Collection method: clinical testing. Allele origin: germline. Inheritance: Autosomal recessive inheritance. Affected: yes.
Comment: ACMG: PVS1, PM2_Supporting, PM3, PP4_Strong

NM_000191.3(HMGCL):c.658del (p.Ala220fs)

Gene: HMGCL (3-hydroxy-3-methylglutaryl-CoA lyase; minus strand). Cytogenetic location: 1p36.11.
Variant type: Deletion.
Coding change: c.658del on transcript NM_000191.3 (MANE Select); coding-DNA position 658, one base deleted (G; older notation c.658delG).
Protein change: p.Ala220fs; shifts the reading frame from alanine 220.
Molecular consequence: frameshift variant.
Genome position (GRCh38, 1-based): chr1:23,808,227, C deleted on the plus strand (G on the coding strand, the reverse complement: HMGCL is on the minus strand). VCF-style (leftmost placement, unchanged base first): chr1-23808226-GC-G. GRCh37 (hg19) VCF-style: chr1-24134716-GC-G.
Other names: c.445del, p.Ala149fs (NM_001166059.2); short protein forms A149fs, A220fs.
Identifiers: ClinVar variation 3764083 (VCV003764083.1).